The following is an entry in ClinVar:

ClinVar aggregate classification (germline): Pathogenic (1 of 4 stars; one submission).

Conditions:
Glycogen storage disease, type VII (GSD7). Also called: GSD VII; MUSCLE PHOSPHOFRUCTOKINASE DEFICIENCY; PFKM DEFICIENCY; TARUI DISEASE. Identifiers: Orphanet 371, MedGen C0017926, MONDO:0009295, OMIM 232800.

Submission:

Myriad Genetics, Inc.
Classification: Pathogenic for Glycogen storage disease, type VII. Last evaluated: 2024-04-07. Review status: criteria provided, single submitter. Criteria: Myriad Autosomal Dominant, Autosomal Recessive and X-Linked Classification Criteria (2023). Collection method: clinical testing. Allele origin: unknown.
Comment: NM_001166686.1(PFKM):c.1566_1567delTG(G523Lfs*14) is expected to be pathogenic in the context of glycogen storage disease, PFKM-related. This variant is predicted to lead to an abnormal or absent protein product due to the creation of a premature termination codon in PFKM, a gene where loss-of-function variants are known to be pathogenic. Please note: this variant was assessed in the context of healthy population screening.

NM_000289.6(PFKM):c.1353_1354del (p.Gly452fs)

Gene: PFKM (phosphofructokinase, muscle; plus strand). Cytogenetic location: 12q13.11.
Variant type: Deletion.
Coding change: c.1353_1354del on transcript NM_000289.6 (MANE Select); coding-DNA positions 1353 to 1354, 2 bases deleted (TG; older notation c.1353_1354delTG).
Protein change: p.Gly452fs; shifts the reading frame from glycine 452.
Molecular consequence: frameshift variant. On other transcripts: non-coding transcript variant (6).
Genome position (GRCh38, 1-based): chr12:48,141,322-48,141,323, TG deleted. VCF-style (leftmost placement, unchanged base first): chr12-48141321-CTG-C. GRCh37 (hg19) VCF-style: chr12-48535104-CTG-C.
Other names: c.1566_1567del, p.Gly523fs (NM_001166686.2, NM_001354737.1, NM_001354738.1 and 1 more transcripts); c.1353_1354del, p.Gly452fs (NM_001166687.2, NM_001166688.2, NM_001354742.2 and 2 more transcripts); c.1662_1663del, p.Gly555fs (NM_001354735.1, NM_001354736.1); c.1497_1498del, p.Gly500fs (NM_001354740.1); c.1377_1378del, p.Gly460fs (NM_001354741.2); c.1266_1267del, p.Gly423fs (NM_001354745.2); c.1227_1228del, p.Gly410fs (NM_001354746.2); c.1203_1204del, p.Gly402fs (NM_001354747.2, NM_001354748.2); and 2 more; short protein forms G402fs, G410fs, G421fs, G423fs, G452fs, G460fs, G492fs, G500fs.
Identifiers: ClinVar variation 5012900 (VCV005012900.1).